The following is an entry in ClinVar:

NM_002439.5(MSH3):c.1804C>T (p.His602Tyr)

Gene: MSH3 (mutS homolog 3; plus strand). Cytogenetic location: 5q14.1.
Variant type: single nucleotide variant.
Coding change: c.1804C>T on transcript NM_002439.5 (MANE Select); coding-DNA position 1804, C replaced by T.
Protein change: p.His602Tyr; replaces histidine 602 with tyrosine.
Molecular consequence: missense variant.
Genome position (GRCh38, 1-based): chr5:80,761,586, C>T. VCF-style: chr5-80761586-C-T. GRCh37 (hg19) VCF-style: chr5-80057405-C-T.
Other names: short protein forms H602Y.
Identifiers: ClinVar variation 940559 (VCV000940559.9), dbSNP rs1744034436, ClinGen allele CA360276547.

ClinVar aggregate classification (germline): Uncertain significance. Review status: criteria provided, multiple submitters, no conflicts (2 of 4 stars). 2 submissions from 2 submitters: Uncertain significance (2). Last evaluated 2025-08-18.

Conditions:
Hereditary cancer-predisposing syndrome. Also called: Hereditary neoplastic syndrome; Neoplastic Syndromes, Hereditary; Tumor predisposition; Hereditary Cancer Syndrome. Identifiers: Orphanet 140162, MedGen C0027672, MeSH D009386, MONDO:0015356.

Allele frequency attached by ClinVar (database versions not stated): gnomAD exomes below 0.00001.
gnomAD v4.1: 3 of 1,614,048 alleles (0.00019%); highest among the groups gnomAD compares: Non-Finnish European, 0.00025%; no homozygotes.

Submissions (2):

Labcorp Genetics (formerly Invitae), Labcorp
Classification: Uncertain significance. Last evaluated: 2025-08-18. Review status: criteria provided, single submitter. Criteria: Invitae Variant Classification Sherloc (09022015). Collection method: clinical testing. Allele origin: germline.
Comment: This sequence change replaces histidine, which is basic and polar, with tyrosine, which is neutral and polar, at codon 602 of the MSH3 protein (p.His602Tyr). This variant is not present in population databases (gnomAD no frequency). This variant has not been reported in the literature in individuals affected with MSH3-related conditions. ClinVar contains an entry for this variant (Variation ID: 940559). An algorithm developed to predict the effect of missense changes on protein structure and function outputs the following: PolyPhen-2: "Benign". The tyrosine amino acid residue is found in multiple mammalian species, which suggests that this missense change does not adversely affect protein function. In summary, the available evidence is currently insufficient to determine the role of this variant in disease. Therefore, it has been classified as a Variant of Uncertain Significance.

Ambry Genetics
Classification: Uncertain significance for Hereditary cancer-predisposing syndrome. Last evaluated: 2023-10-02. Review status: criteria provided, single submitter. Criteria: Ambry Variant Classification Scheme 2023. Collection method: clinical testing. Allele origin: germline.
Comment: The p.H602Y variant (also known as c.1804C>T), located in coding exon 13 of the MSH3 gene, results from a C to T substitution at nucleotide position 1804. The histidine at codon 602 is replaced by tyrosine, an amino acid with similar properties. This amino acid position is not well conserved in available vertebrate species. In addition, this alteration is predicted to be tolerated by in silico analysis. Since supporting evidence is limited at this time, the clinical significance of this alteration remains unclear.